The following is an entry in ClinVar:

ClinVar aggregate classification (germline): Uncertain significance. Review status: criteria provided, multiple submitters, no conflicts (2 of 4 stars). 3 submissions from 3 submitters: Uncertain significance (3). Last evaluated 2025-07-08.

Conditions:
Classic or attenuated familial adenomatous polyposis. Identifiers: MedGen CN372698, MONDO:0021057.
Hereditary cancer-predisposing syndrome. Also called: Neoplastic Syndromes, Hereditary; Tumor predisposition; Hereditary Cancer Syndrome; Hereditary neoplastic syndrome. Identifiers: Orphanet 140162, MedGen C0027672, MeSH D009386, MONDO:0015356.
Familial adenomatous polyposis 1 (FAP1). Also called: FAMILIAL ADENOMATOUS POLYPOSIS 1, ATTENUATED; POLYPOSIS, ADENOMATOUS INTESTINAL. Identifiers: MedGen C2713442, MONDO:0021056, OMIM 175100. Disease mechanism: loss of function.

Submissions (3):

Labcorp Genetics (formerly Invitae), Labcorp
Classification: Uncertain significance for Familial adenomatous polyposis 1. Last evaluated: 2025-07-08. Review status: criteria provided, single submitter. Criteria: Invitae Variant Classification Sherloc (09022015). Collection method: clinical testing. Allele origin: germline.
Comment: This sequence change replaces lysine, which is basic and polar, with arginine, which is basic and polar, at codon 249 of the APC protein (p.Lys249Arg). This variant is not present in population databases (gnomAD no frequency). This variant has not been reported in the literature in individuals affected with APC-related conditions. ClinVar contains an entry for this variant (Variation ID: 2710417). Invitae Evidence Modeling of protein sequence and biophysical properties (such as structural, functional, and spatial information, amino acid conservation, physicochemical variation, residue mobility, and thermodynamic stability) indicates that this missense variant is not expected to disrupt APC protein function with a negative predictive value of 95%. In summary, the available evidence is currently insufficient to determine the role of this variant in disease. Therefore, it has been classified as a Variant of Uncertain Significance.

Ambry Genetics
Classification: Uncertain significance for Hereditary cancer-predisposing syndrome. Last evaluated: 2024-09-14. Review status: criteria provided, single submitter. Criteria: Ambry Variant Classification Scheme 2023. Collection method: clinical testing. Allele origin: germline.
Comment: The p.K249R variant (also known as c.746A>G), located in coding exon 7 of the APC gene, results from an A to G substitution at nucleotide position 746. The lysine at codon 249 is replaced by arginine, an amino acid with highly similar properties. This amino acid position is highly conserved in available vertebrate species. In addition, in silico predictors for this gene do not accurately predict pathogenicity. Missense alterations in APC are not a common cause of disease (Spier I et al. Genet Med. 2024 Feb;26(2):100992). Based on the available evidence, the clinical significance of this variant remains unclear.

All of Us Research Program, National Institutes of Health
Classification: Uncertain significance for Classic or attenuated familial adenomatous polyposis. Last evaluated: 2023-11-02. Review status: criteria provided, single submitter. Criteria: ACMG Guidelines, 2015. Collection method: clinical testing. Allele origin: germline. Inheritance: Autosomal dominant inheritance. Observed: 1 variant allele, 1 heterozygote.
Comment: This missense variant replaces lysine with arginine at codon 249 of the APC protein. Computational prediction suggests that this variant may not impact protein structure and function (internally defined REVEL score threshold <= 0.5, PMID: 27666373). To our knowledge, functional studies have not been reported for this variant. This variant has not been reported in individuals affected with APC-related disorders in the literature. This variant has not been identified in the general population by the Genome Aggregation Database (gnomAD). The available evidence is insufficient to determine the role of this variant in disease conclusively. Therefore, this variant is classified as a Variant of Uncertain Significance.

This study involves interpretation of variants in research participants for the purpose of population health screening. Participant phenotype was not available at the time of variant classification. Additional details can be found in publication PMID: 35346344, PMCID: PMC8962531

NM_000038.6(APC):c.746A>G (p.Lys249Arg)

Gene: APC (APC regulator of Wnt signaling pathway; plus strand). Cytogenetic location: 5q22.2.
Variant type: single nucleotide variant.
Coding change: c.746A>G on transcript NM_000038.6 (MANE Select); coding-DNA position 746, A replaced by G.
Protein change: p.Lys249Arg; replaces lysine 249 with arginine.
Molecular consequence: missense variant. On other transcripts: 5 prime UTR variant (4), non-coding transcript variant (2).
Genome position (GRCh38, 1-based): chr5:112,801,295, A>G. VCF-style: chr5-112801295-A-G. GRCh37 (hg19) VCF-style: chr5-112136992-A-G.
Other names: c.746A>G, p.Lys249Arg (NM_001407457.1, NM_001407458.1, NM_001407459.1 and 12 more transcripts); c.662A>G, p.Lys221Arg (NM_001407467.1, NM_001407469.1, NM_001354899.2 and 1 more transcripts); c.-290A>G (NM_001407470.1, NM_001407471.1, NM_001407472.1 and 1 more transcripts); c.692A>G, p.Lys231Arg (NM_001127511.3); c.776A>G, p.Lys259Arg (NM_001354897.2, NM_001354902.2, NM_001407446.1); c.671A>G, p.Lys224Arg (NM_001354898.2, NM_001354904.2, NM_001407451.1); c.569A>G, p.Lys190Arg (NM_001354900.2, NM_001354901.2, NM_001354905.2 and 1 more transcripts); c.746A>G (NM_000038.5); short protein forms K190R, K221R, K224R, K249R, K231R, K259R.
Identifiers: ClinVar variation 2710417 (VCV002710417.5), dbSNP rs2149711454, ClinGen allele CA16022963.
Genomic context (GRCh38, chr5:112,801,295, plus strand): 5'-CTACACCATTTTTGCATGTACTGATGTTAACTCCATCTTAACAGAGGTCATCTCAGAACA[A>G]GCATGAAACCGGCTCACATGATGCTGAGCGGCAGAATGAAGGTCAAGGAGTGGGAGAAAT-3'
Protein context (NP_000029.2, residues 239-259): ATEAERSSQN[Lys249Arg]HETGSHDAER